The following is an entry in ClinVar:

NM_001367624.2(ZNF469):c.5878G>T (p.Gly1960Trp)

Gene: ZNF469 (zinc finger protein 469; plus strand). Cytogenetic location: 16q24.2.
Variant type: single nucleotide variant.
Coding change: c.5878G>T on transcript NM_001367624.2 (MANE Select); coding-DNA position 5878, G replaced by T.
Protein change: p.Gly1960Trp; replaces glycine 1960 with tryptophan.
Molecular consequence: missense variant.
Genome position (GRCh38, 1-based): chr16:88,433,348, G>T. VCF-style: chr16-88433348-G-T. GRCh37 (hg19) VCF-style: chr16-88499756-G-T.
Other names: NM_001127464.1:c.5794G>T; short protein forms G1960W.
Identifiers: ClinVar variation 1749675 (VCV001749675.2), dbSNP rs899217923, ClinGen allele CA286380971.

ClinVar aggregate classification (germline): Uncertain significance (1 of 4 stars; one submission).

Conditions:
Cardiovascular phenotype. Identifiers: MedGen CN230736.

Submission:

Ambry Genetics
Classification: Uncertain significance for Cardiovascular phenotype. Last evaluated: 2024-03-07. Review status: criteria provided, single submitter. Criteria: Ambry Variant Classification Scheme 2023. Collection method: clinical testing. Allele origin: germline.
Comment: The p.G1932W variant (also known as c.5794G>T), located in coding exon 2 of the ZNF469 gene, results from a G to T substitution at nucleotide position 5794. The glycine at codon 1932 is replaced by tryptophan, an amino acid with highly dissimilar properties. This amino acid position is conserved. In addition, this alteration is predicted to be tolerated by in silico analysis. Since supporting evidence is limited at this time, the clinical significance of this alteration remains unclear.